The following is an entry in ClinVar:

ClinVar aggregate classification (germline): Likely benign (0 of 4 stars; one submission).

Conditions:
SEMA3G-related disorder. Also called: SEMA3G-related condition.

Allele frequency attached by ClinVar (database versions not stated): gnomAD exomes 0.00014; ExAC 0.00045; 1000 Genomes Project 0.00100; ESP Exome Variant Server 0.00115; 1000 Genomes Project 30x 0.00125; gnomAD 0.00130; TOPMed 0.00158.
gnomAD v4.1: 408 of 1,614,066 alleles (0.025%); highest among the groups gnomAD compares: African/African-American, 0.47%; no homozygotes.

Submission:

PreventionGenetics, part of Exact Sciences
Classification: Likely benign for SEMA3G-related condition. Last evaluated: 2023-11-01. Review status: no assertion criteria provided. Collection method: clinical testing. Allele origin: germline.
Comment: This variant is classified as likely benign based on ACMG/AMP sequence variant interpretation guidelines (Richards et al. 2015 PMID: 25741868, with internal and published modifications).

NM_020163.3(SEMA3G):c.2079A>C (p.Pro693=)

Gene: SEMA3G (semaphorin 3G; minus strand). Cytogenetic location: 3p21.1.
Variant type: single nucleotide variant.
Coding change: c.2079A>C on transcript NM_020163.3 (MANE Select); coding-DNA position 2079, A replaced by C.
Protein change: p.Pro693=; no amino-acid change (proline 693 retained).
Molecular consequence: synonymous variant.
Genome position (GRCh38, 1-based): chr3:52,435,873, T>G on the plus strand (A>C on the coding strand, the complement: SEMA3G is on the minus strand). VCF-style: chr3-52435873-T-G. GRCh37 (hg19) VCF-style: chr3-52469889-T-G.
Identifiers: ClinVar variation 3042076 (VCV003042076.2), dbSNP rs138549917, ClinGen allele CA2437726.